The following is an entry in ClinVar:

NM_001366722.1(GRIP1):c.2464+15T>C

Gene: GRIP1 (glutamate receptor interacting protein 1; minus strand). Cytogenetic location: 12q14.3.
Variant type: single nucleotide variant.
Coding change: c.2464+15T>C on transcript NM_001366722.1 (MANE Select); 15 bases into the intron after coding-DNA position 2464, T replaced by C.
Molecular consequence: intron variant.
Genome position (GRCh38, 1-based): chr12:66,392,293, A>G on the plus strand (T>C on the coding strand, the complement: GRIP1 is on the minus strand). VCF-style: chr12-66392293-A-G. GRCh37 (hg19) VCF-style: chr12-66786073-A-G.
Other names: c.2383+15T>C (NM_001366723.1); c.2386+15T>C (NM_001366724.1); c.2308+15T>C (NM_001178074.2, NM_021150.4).
Identifiers: ClinVar variation 261411 (VCV000261411.23), dbSNP rs7970076, ClinGen allele CA6674124.

ClinVar aggregate classification (germline): Benign. Review status: criteria provided, multiple submitters, no conflicts (2 of 4 stars). 9 submissions from 9 submitters: Benign (8). 1 of the submissions does not count toward it. Last evaluated 2026-02-04.

Conditions:
Fraser syndrome 3. Identifiers: MedGen C4540040, MONDO:0054739, OMIM 617667.
Fraser syndrome 1 (FRASRS1). Also called: CRYPTOPHTHALMOS WITH OTHER MALFORMATIONS. Identifiers: Orphanet 2052, MedGen C4551480, MONDO:0054737, OMIM 219000.

Allele frequency attached by ClinVar (database versions not stated): 1000 Genomes Project 30x 0.97408; 1000 Genomes Project 0.97464; ESP Exome Variant Server 0.97822; TOPMed 0.97822; gnomAD 0.97982 and 0.98103; gnomAD exomes 0.99800.
gnomAD v4.1: 1,484,403 of 1,490,130 alleles (100%); highest among the groups gnomAD compares: East Asian, 100%; 739,517 homozygotes.

Submissions (9):

Labcorp Genetics (formerly Invitae), Labcorp
Classification: Benign. Last evaluated: 2026-02-04. Review status: criteria provided, single submitter. Criteria: Invitae Variant Classification Sherloc (09022015). Collection method: clinical testing. Allele origin: germline.

Blueprint Genetics
Classification: Benign. Last evaluated: 2024-11-27. Review status: criteria provided, single submitter. Criteria: ACMG Guidelines, 2015. Collection method: clinical testing. Allele origin: germline.

Genome-Nilou Lab
Classification: Benign for Fraser syndrome 3. Last evaluated: 2021-08-10. Review status: criteria provided, single submitter. Criteria: ACMG Guidelines, 2015. Collection method: clinical testing. Allele origin: germline. Affected: no.

GeneDx
Classification: Benign. Last evaluated: 2019-10-25. Review status: criteria provided, single submitter. Criteria: GeneDx Variant Classification Process June 2021. Collection method: clinical testing. Allele origin: germline. Affected: yes.

Illumina Laboratory Services, Illumina
Classification: Benign for Fraser syndrome 3. Last evaluated: 2018-01-12. Review status: criteria provided, single submitter. Criteria: ICSL Variant Classification Criteria 13 December 2019. Collection method: clinical testing. Allele origin: germline.
Comment: This variant was observed in the ICSL laboratory as part of a predisposition screen in an ostensibly healthy population. It had not been previously curated by ICSL or reported in the Human Gene Mutation Database (HGMD: prior to June 1st, 2018), and was therefore a candidate for classification through an automated scoring system. Utilizing variant allele frequency, disease prevalence and penetrance estimates, and inheritance mode, an automated score was calculated to assess if this variant is too frequent to cause the disease. Based on the score and internal cut-off values, a variant classified as benign is not then subjected to further curation. The score for this variant resulted in a classification of benign for this disease.

Genome Diagnostics Laboratory, University Medical Center Utrecht
Classification: Benign for Fraser syndrome 1. Last evaluated: 2014-10-09. Review status: criteria provided, single submitter. Criteria: ACGS Guidelines, 2013. Collection method: clinical testing. Allele origin: germline. Affected: yes. Study: VKGL Data-share Consensus.

Breakthrough Genomics
Classification: Benign. Review status: criteria provided, single submitter. Criteria: ACMG Guidelines, 2015. Collection method: not provided. Allele origin: germline. Inheritance: Autosomal recessive inheritance. Affected: yes.

PreventionGenetics, part of Exact Sciences
Classification: Benign. Review status: criteria provided, single submitter. Criteria: ACMG Guidelines, 2015. Collection method: clinical testing. Allele origin: germline.

Diagnostic Laboratory, Department of Genetics, University Medical Center Groningen
Classification: Benign for Fraser syndrome 1. Review status: no assertion criteria provided. Collection method: clinical testing. Allele origin: germline. Affected: yes. Study: VKGL Data-share Consensus. Not counted in ClinVar's aggregate classification.